The following is an entry in ClinVar:

NM_001377142.1(PLCB4):c.1057G>A (p.Gly353Ser)

Gene: PLCB4 (phospholipase C beta 4; plus strand). Cytogenetic location: 20p12.2.
Variant type: single nucleotide variant.
Coding change: c.1057G>A on transcript NM_001377142.1 (MANE Select); coding-DNA position 1057, G replaced by A.
Protein change: p.Gly353Ser; replaces glycine 353 with serine.
Molecular consequence: missense variant.
Genome position (GRCh38, 1-based): chr20:9,384,404, G>A. VCF-style: chr20-9384404-G-A. GRCh37 (hg19) VCF-style: chr20-9365051-G-A.
Other names: c.1057G>A, p.Gly353Ser (NM_000933.4, NM_001172646.2, NM_001377134.2 and 4 more transcripts); short protein forms G353S.
Identifiers: ClinVar variation 3382174 (VCV003382174.2).
Genomic context (GRCh38, chr20:9,384,404, plus strand): 5'-ACTGGCAGACAGTTCGGCGGGAAGTCTTCGGTAGAAATGTACAGACAGGTTCTCCTGGCT[G>A]GTTGCAGGTGAGGAACTCAAGATGGCAATTTGTTTTTTGTGTGTGATGCCCTTCAGTTTA-3'
Protein context (NP_001364071.1, residues 343-363): VEMYRQVLLA[Gly353Ser]CRCVELDCWD

ClinVar aggregate classification (germline): Likely pathogenic (1 of 4 stars; one submission).

Conditions:
Auriculocondylar syndrome 2B (ARCND2B). Identifiers: MedGen C5830664, MONDO:0957544, OMIM 620458.
Auriculocondylar syndrome 2 (ARCND2A). Also called: AURICULOCONDYLAR SYNDROME 2A. Identifiers: Orphanet 137888, MedGen C3553404, MONDO:0013845, OMIM 614669.

Submission:

Juno Genomics, Hangzhou Juno Genomics, Inc
Classification: Likely pathogenic for Auriculocondylar syndrome 2; Auriculocondylar syndrome 2B. Review status: criteria provided, single submitter. Criteria: ACMG Guidelines, 2015. Collection method: clinical testing. Allele origin: germline. Affected: yes.
Comment: Absent from controls (or at extremely low frequency if recessive) in Genome Aggregation Database, Exome Sequencing Project, 1000 Genomes Project, or Exome Aggregation Consortium.;Multiple lines of computational evidence support a deleterious effect on the gene or gene product (conservation, evolutionary, splicing impact, etc).;Missense variant in a gene that has a low rate of benign missense variation and where missense variants are a common mechanism of disease.;Patient's phenotype or family history is highly specific for a disease with a single genetic etiology.